The following is an entry in ClinVar:

ClinVar aggregate classification (germline): Uncertain significance (1 of 4 stars; one submission).

Submission:

Labcorp Genetics (formerly Invitae), Labcorp
Classification: Uncertain significance. Last evaluated: 2021-12-24. Review status: criteria provided, single submitter. Criteria: Invitae Variant Classification Sherloc (09022015). Collection method: clinical testing. Allele origin: germline.
Comment: In summary, the available evidence is currently insufficient to determine the role of this variant in disease. Therefore, it has been classified as a Variant of Uncertain Significance. Experimental studies and prediction algorithms are not available or were not evaluated, and the functional significance of this variant is currently unknown. This variant has not been reported in the literature in individuals affected with GINS1-related conditions. This variant is a gross deletion of the genomic region encompassing exon(s) 1 of the GINS1 gene, which includes the initiator codon. This deletion extends beyond the assayed region for this gene and therefore may encompass additional genes. It is expected to result in an absent or disrupted protein product. However, the current clinical and genetic evidence is not sufficient to establish whether loss-of-function variants in GINS1 cause disease.

NC_000020.10:g.(?_25319843)_(25388551_?)del

Genes: ABHD12 (abhydrolase domain containing 12, lysophospholipase; minus strand), GINS1 (GINS complex subunit 1; plus strand). Cytogenetic location: 20p11.21.
Variant type: Deletion.
Identifiers: ClinVar variation 2426655 (VCV002426655.4).